The following is an entry in ClinVar:

ClinVar aggregate classification (germline): Uncertain significance (1 of 4 stars; one submission).

gnomAD v4.1: 3 of 1,613,806 alleles (0.00019%); highest among the groups gnomAD compares: East Asian, 0.0067%; no homozygotes.

Submission:

Ambry Genetics
Classification: Uncertain significance. Last evaluated: 2026-03-21. Review status: criteria provided, single submitter. Criteria: Ambry Variant Classification Scheme 2023. Collection method: clinical testing. Allele origin: germline.
Comment: The p.A1614V variant (also known as c.4841C>T), located in coding exon 37 of the MYOM1 gene, results from a C to T substitution at nucleotide position 4841. The alanine at codon 1614 is replaced by valine, an amino acid with similar properties. This amino acid position is conserved. In addition, this alteration is predicted to be tolerated by in silico analysis. Based on the available evidence, the clinical significance of this variant remains unclear.

NM_003803.4(MYOM1):c.4841C>T (p.Ala1614Val)

Gene: MYOM1 (myomesin 1; minus strand). Cytogenetic location: 18p11.31.
Variant type: single nucleotide variant.
Coding change: c.4841C>T on transcript NM_003803.4 (MANE Select); coding-DNA position 4841, C replaced by T.
Protein change: p.Ala1614Val; replaces alanine 1614 with valine.
Molecular consequence: missense variant.
Genome position (GRCh38, 1-based): chr18:3,067,479, G>A on the plus strand (C>T on the coding strand, the complement: MYOM1 is on the minus strand). VCF-style: chr18-3067479-G-A. GRCh37 (hg19) VCF-style: chr18-3067477-G-A.
Other names: c.4553C>T, p.Ala1518Val (NM_019856.2); short protein forms A1518V, A1614V.
Identifiers: ClinVar variation 4860671 (VCV004860671.1).